The following is an entry in ClinVar:

ClinVar aggregate classification (germline): Uncertain significance (1 of 4 stars; one submission).

Conditions:
Neuropathy, hereditary sensory, type 1F. Also called: HSN IF; Hereditary sensory neuropathy type IF. Identifiers: Orphanet 36386, MedGen C3810194, MONDO:0014286, OMIM 615632.

Submission:

Human Genetics Bochum, Ruhr University Bochum
Classification: Uncertain significance for Neuropathy, hereditary sensory, type 1F. Last evaluated: 2025-10-21. Review status: criteria provided, single submitter. Criteria: ACMG Guidelines, 2015. Collection method: clinical testing. Allele origin: germline. Affected: yes.
Comment: ACMG criteria used to clasify this variant: PVS1_STR, PM2_SUP

NM_015459.5(ATL3):c.399dup (p.Lys134fs)

Genes: ATL3 (atlastin GTPase 3; minus strand), LNCROPM (lncRNA regulator of PLAAT3 mediated phospholipid metabolism; plus strand). Cytogenetic location: 11q13.1.
Variant type: Duplication.
Coding change: c.399dup on transcript NM_015459.5 (MANE Select); coding-DNA position 399, one base duplicated (G; older notation c.399dupG).
Protein change: p.Lys134fs; shifts the reading frame from lysine 134.
Molecular consequence: frameshift variant.
Genome position (GRCh38, 1-based): chr11:63,658,767, C duplicated on the plus strand (G on the coding strand, the reverse complement: ATL3 is on the minus strand); the first of 3 consecutive C bases (chr11:63,658,767-63,658,769); duplicating any one gives the same sequence. VCF-style (leftmost placement, unchanged base first): chr11-63658766-T-TC. GRCh37 (hg19) VCF-style: chr11-63426238-T-TC.
Other names: c.345dup, p.Lys116fs (NM_001290048.2, NM_001440720.1); c.399dup, p.Lys134fs (NM_001440716.1, NM_001440717.1, NM_001440718.1 and 3 more transcripts); short protein forms K116fs, K134fs.
Identifiers: ClinVar variation 4687965 (VCV004687965.1).